The following is an entry in ClinVar:

ClinVar aggregate classification (germline): Likely benign (1 of 4 stars; one submission).

Submission:

CeGaT Center for Human Genetics Tuebingen
Classification: Likely benign. Last evaluated: 2023-01-01. Review status: criteria provided, single submitter. Criteria: CeGaT Center For Human Genetics Tuebingen Variant Classification Criteria Version 2. Collection method: clinical testing. Allele origin: germline. Affected: yes. Observed: 1 variant allele.
Comment: WSB2: PM2:Supporting, BP4, BP7

NM_018639.5(WSB2):c.648T>C (p.Ala216=)

Genes: RFC5 (replication factor C subunit 5; plus strand), WSB2 (WD repeat and SOCS box containing 2; minus strand). Cytogenetic location: 12q24.23.
Variant type: single nucleotide variant.
Coding change: c.648T>C on transcript NM_018639.5 (MANE Select); coding-DNA position 648, T replaced by C.
Protein change: p.Ala216=; no amino-acid change (alanine 216 retained).
Molecular consequence: synonymous variant.
Genome position (GRCh38, 1-based): chr12:118,038,300, A>G on the plus strand (T>C on the coding strand, the complement: WSB2 is on the minus strand). VCF-style: chr12-118038300-A-G. GRCh37 (hg19) VCF-style: chr12-118476105-A-G.
Other names: c.699T>C, p.Ala233= (NM_001278557.1); c.18T>C, p.Ala6= (NM_001278558.2).
Identifiers: ClinVar variation 2643379 (VCV002643379.24), dbSNP rs2500661114, ClinGen allele CA482052474.